The following is an entry in ClinVar:

ClinVar aggregate classification (germline): Uncertain significance (1 of 4 stars; one submission).

Allele frequency attached by ClinVar (database versions not stated): gnomAD exomes 0.00002 and 0.00007; gnomAD 0.00005; TOPMed 0.00005.
gnomAD v4.1: 104 of 1,613,996 alleles (0.0064%); highest among the groups gnomAD compares: Non-Finnish European, 0.0081%; no homozygotes.

Submission:

Labcorp Genetics (formerly Invitae), Labcorp
Classification: Uncertain significance. Last evaluated: 2024-03-14. Review status: criteria provided, single submitter. Criteria: Invitae Variant Classification Sherloc (09022015). Collection method: clinical testing. Allele origin: germline.
Comment: This sequence change replaces leucine, which is neutral and non-polar, with serine, which is neutral and polar, at codon 469 of the DISP1 protein (p.Leu469Ser). This variant is present in population databases (rs200592414, gnomAD 0.006%). This missense change has been observed in individual(s) with holoprosencephaly (PMID: 19184110). ClinVar contains an entry for this variant (Variation ID: 1449763). An algorithm developed to predict the effect of missense changes on protein structure and function (PolyPhen-2) suggests that this variant is likely to be disruptive. In summary, the available evidence is currently insufficient to determine the role of this variant in disease. Therefore, it has been classified as a Variant of Uncertain Significance.

Literature cited by the submitters: PubMed 19184110.

NM_001377229.1(DISP1):c.1406T>C (p.Leu469Ser)

Gene: DISP1 (dispatched RND transporter family member 1; plus strand). Cytogenetic location: 1q41.
Variant type: single nucleotide variant.
Coding change: c.1406T>C on transcript NM_001377229.1 (MANE Select); coding-DNA position 1406, T replaced by C.
Protein change: p.Leu469Ser; replaces leucine 469 with serine.
Molecular consequence: missense variant.
Genome position (GRCh38, 1-based): chr1:223,002,803, T>C. VCF-style: chr1-223002803-T-C. GRCh37 (hg19) VCF-style: chr1-223176145-T-C.
Other names: c.677T>C, p.Leu226Ser (NM_001350630.2); c.1406T>C, p.Leu469Ser (NM_001369594.1, NM_001377228.1, NM_032890.5); short protein forms L226S, L469S.
Identifiers: ClinVar variation 1449763 (VCV001449763.8), dbSNP rs200592414, ClinGen allele CA38407343.